The following is an entry in ClinVar:

NM_002087.4(GRN):c.56G>A (p.Arg19Gln)

Gene: GRN (granulin precursor; plus strand). Cytogenetic location: 17q21.31.
Variant type: single nucleotide variant.
Coding change: c.56G>A on transcript NM_002087.4 (MANE Select); coding-DNA position 56, G replaced by A.
Protein change: p.Arg19Gln; replaces arginine 19 with glutamine.
Molecular consequence: missense variant.
Genome position (GRCh38, 1-based): chr17:44,349,220, G>A. VCF-style: chr17-44349220-G-A. GRCh37 (hg19) VCF-style: chr17-42426588-G-A.
Other names: short protein forms R19Q.
Identifiers: ClinVar variation 1430225 (VCV001430225.8), dbSNP rs764665710, ClinGen allele CA8601738.

ClinVar aggregate classification (germline): Uncertain significance (1 of 4 stars; one submission).

Conditions:
Neuronal ceroid lipofuscinosis 11. Also called: GRN-Related Neuronal Ceroid-Lipofuscinosis. Identifiers: Orphanet 314629, Orphanet 79262, MedGen C3539123, MONDO:0013866, OMIM 614706.
GRN-related frontotemporal lobar degeneration with Tdp43 inclusions (FTD2). Also called: DEMENTIA, HEREDITARY DYSPHASIC DISINHIBITION; FRONTOTEMPORAL LOBAR DEGENERATION WITH UBIQUITIN-POSITIVE INCLUSIONS; FTLD-TDP, GRN-RELATED; GRN Frontotemporal Dementia; FRONTOTEMPORAL DEMENTIA WITH TDP43 INCLUSIONS, GRN-RELATED. Identifiers: Orphanet 100070, Orphanet 282, MedGen C1843792, MONDO:0011842, OMIM 607485. Disease mechanism: loss of function.

Allele frequency attached by ClinVar (database versions not stated): ExAC 0.00001; gnomAD exomes 0.00002; TOPMed 0.00004; gnomAD 0.00005 and 0.00006.
gnomAD v4.1: 43 of 1,613,912 alleles (0.0027%); highest among the groups gnomAD compares: East Asian, 0.0045%; no homozygotes.

Submission:

Labcorp Genetics (formerly Invitae), Labcorp
Classification: Uncertain significance for Neuronal ceroid lipofuscinosis 11; GRN-related frontotemporal lobar degeneration with Tdp43 inclusions. Last evaluated: 2025-10-03. Review status: criteria provided, single submitter. Criteria: Invitae Variant Classification Sherloc (09022015). Collection method: clinical testing. Allele origin: germline.
Comment: This sequence change replaces arginine, which is basic and polar, with glutamine, which is neutral and polar, at codon 19 of the GRN protein (p.Arg19Gln). The frequency data for this variant in the population databases is considered unreliable, as metrics indicate poor data quality at this position in the gnomAD database. This missense change has been observed in individual(s) with progressive supranuclear palsy (PMID: 22818528). ClinVar contains an entry for this variant (Variation ID: 1430225). An algorithm developed to predict the effect of missense changes on protein structure and function outputs the following: PolyPhen-2: "Benign". The glutamine amino acid residue is found in multiple mammalian species, which suggests that this missense change does not adversely affect protein function. In summary, the available evidence is currently insufficient to determine the role of this variant in disease. Therefore, it has been classified as a Variant of Uncertain Significance.

Literature cited by the submitters: PubMed 22818528.